The following is an entry in ClinVar:

ClinVar aggregate classification (germline): Likely pathogenic (1 of 4 stars; one submission).

Submission:

Labcorp Genetics (formerly Invitae), Labcorp
Classification: Likely pathogenic. Last evaluated: 2025-09-24. Review status: criteria provided, single submitter. Criteria: Invitae Variant Classification Sherloc (09022015). Collection method: clinical testing. Allele origin: germline.
Comment: This sequence change affects a splice site in intron 1 of the NBAS gene. It is expected to disrupt RNA splicing. Variants that disrupt the donor or acceptor splice site typically lead to a loss of protein function (PMID: 16199547), and loss-of-function variants in NBAS are known to be pathogenic (PMID: 26073778, 26541327, 27789416, 28031453). This variant is not present in population databases (gnomAD no frequency). This variant has not been reported in the literature in individuals affected with NBAS-related conditions. Algorithms developed to predict the effect of sequence changes on RNA splicing suggest that this variant may disrupt the consensus splice site. In summary, the currently available evidence indicates that the variant is pathogenic, but additional data are needed to prove that conclusively. Therefore, this variant has been classified as Likely Pathogenic.

Literature cited by the submitters: PubMed 16199547; PubMed 26073778; PubMed 26541327; PubMed 27789416; PubMed 28031453.

NM_015909.4(NBAS):c.117+2del

Genes: NBAS (NBAS subunit of NRZ tethering complex; minus strand), LOC129933155 (ATAC-STARR-seq lymphoblastoid active region 15346; plus strand). Cytogenetic location: 2p24.3.
Variant type: Deletion.
Coding change: c.117+2del on transcript NM_015909.4 (MANE Select); the canonical splice donor site of the intron after coding-DNA position 117, one base deleted (T; older notation c.117+2delT).
Molecular consequence: splice donor variant.
Genome position (GRCh38, 1-based): chr2:15,561,186, A deleted on the plus strand (T on the coding strand, the reverse complement: NBAS is on the minus strand). VCF-style (leftmost placement, unchanged base first): chr2-15561185-CA-C. GRCh37 (hg19) VCF-style: chr2-15701309-CA-C.
Identifiers: ClinVar variation 4696604 (VCV004696604.1).